The following is an entry in ClinVar:

ClinVar aggregate classification (germline): Pathogenic (1 of 4 stars; one submission).

Conditions:
Landau-Kleffner syndrome (FESD). Also called: EPILEPSY, FOCAL, WITH SPEECH DISORDER AND WITH OR WITHOUT MENTAL RETARDATION; APHASIA, ACQUIRED, WITH EPILEPSY. Identifiers: Orphanet 1945, Orphanet 725, Orphanet 98818, MedGen C0282512, MONDO:0009509, OMIM 245570.

Submission:

Labcorp Genetics (formerly Invitae), Labcorp
Classification: Pathogenic for Landau-Kleffner syndrome. Last evaluated: 2026-01-11. Review status: criteria provided, single submitter. Criteria: Invitae Variant Classification Sherloc (09022015). Collection method: clinical testing. Allele origin: germline.
Comment: This sequence change creates a premature translational stop signal (p.Lys1339Glufs*27) in the GRIN2A gene. While this is not anticipated to result in nonsense mediated decay, it is expected to disrupt the last 126 amino acid(s) of the GRIN2A protein. This variant is not present in population databases (gnomAD no frequency). This variant has not been reported in the literature in individuals affected with GRIN2A-related conditions. This variant disrupts a region of the GRIN2A protein in which other variant(s) (p.Asn1397Glnfs*23) have been determined to be pathogenic (PMID: 25724810). This suggests that this is a clinically significant region of the protein, and that variants that disrupt it are likely to be disease-causing. For these reasons, this variant has been classified as Pathogenic.

Literature cited by the submitters: PubMed 25724810.

NM_001134407.3(GRIN2A):c.4014dup (p.Lys1339fs)

Gene: GRIN2A (glutamate ionotropic receptor NMDA type subunit 2A; minus strand). Cytogenetic location: 16p13.2.
Variant type: Duplication.
Coding change: c.4014dup on transcript NM_001134407.3 (MANE Select); coding-DNA position 4014, one base duplicated (G; older notation c.4014dupG).
Protein change: p.Lys1339fs; shifts the reading frame from lysine 1339.
Molecular consequence: frameshift variant. On other transcripts: intron variant (1).
Genome position (GRCh38, 1-based): chr16:9,763,530, C duplicated on the plus strand (G on the coding strand, the reverse complement: GRIN2A is on the minus strand); the first of 4 consecutive C bases (chr16:9,763,530-9,763,533); duplicating any one gives the same sequence. VCF-style (leftmost placement, unchanged base first): chr16-9763529-T-TC. GRCh37 (hg19) VCF-style: chr16-9857386-T-TC.
Other names: c.3773-102dup (NM_001134408.2); c.4014dup, p.Lys1339fs (NM_000833.5); short protein forms K1339fs.
Identifiers: ClinVar variation 4776089 (VCV004776089.1).
Genomic context (GRCh38, chr16:9,763,529, plus strand): 5'-GCAAGAGAGACTTGCTCCTCTTGCTGTCCTCCAGACCTTGGGGGAAAAGGGAGCTTTTTT[T>TC]CCCCGAGAGTTTGCTTGAGGGGACACTAAACAGGCTGCCGTAAAAATTTCCCTCCAGAAG-3'